The following is an entry in ClinVar:

NM_006904.7(PRKDC):c.6923C>G (p.Ser2308Cys)

Gene: PRKDC (protein kinase, DNA-activated, catalytic subunit; minus strand). Cytogenetic location: 8q11.21.
Variant type: single nucleotide variant.
Coding change: c.6923C>G on transcript NM_006904.7 (MANE Select); coding-DNA position 6923, C replaced by G.
Protein change: p.Ser2308Cys; replaces serine 2308 with cysteine.
Molecular consequence: missense variant.
Genome position (GRCh38, 1-based): chr8:47,852,755, G>C on the plus strand (C>G on the coding strand, the complement: PRKDC is on the minus strand). VCF-style: chr8-47852755-G-C. GRCh37 (hg19) VCF-style: chr8-48765316-G-C.
Other names: c.6923C>G, p.Ser2308Cys (NM_001081640.2); short protein forms S2308C.
Identifiers: ClinVar variation 1756178 (VCV001756178.2), dbSNP rs2088439043, ClinGen allele CA371158262.

ClinVar aggregate classification (germline): Uncertain significance (1 of 4 stars; one submission).

Submission:

Ambry Genetics
Classification: Uncertain significance. Last evaluated: 2022-08-07. Review status: criteria provided, single submitter. Criteria: Ambry Variant Classification Scheme 2023. Collection method: clinical testing. Allele origin: germline.
Comment: The p.S2308C variant (also known as c.6923C>G), located in coding exon 52 of the PRKDC gene, results from a C to G substitution at nucleotide position 6923. The serine at codon 2308 is replaced by cysteine, an amino acid with dissimilar properties. This amino acid position is conserved. Since supporting evidence is limited at this time, the clinical significance of this alteration remains unclear.